The following is an entry in ClinVar:

NC_012920.1(MT-ND2):m.4769A>G

Gene: MT-ND2 (mitochondrially encoded NADH dehydrogenase 2; plus strand).
Variant type: single nucleotide variant.
Genome position: chrM-4769-A-G.
Identifiers: ClinVar variation 441150 (VCV000441150.4), dbSNP rs3021086, ClinGen allele CA337096951.
Genomic context (GRCh38, chrMT:4,769, plus strand): 5'-CTCCGGACAATGAACCATAACCAATACTACCAATCAATACTCATCATTAATAATCATAAT[A>G]GCTATAGCAATAAAACTAGGAATAGCCCCCTTTCACTTCTGAGTCCCAGAGGTTACCCAA-3'

ClinVar aggregate classification (germline): Benign. Review status: reviewed by expert panel (3 of 4 stars). 2 submissions from 2 submitters: Benign (1). 1 of the submissions does not count toward it. Last evaluated 2022-03-24.

Conditions:
Mitochondrial disease. Also called: Mitochondrial disorder; Mitochondrial disorders. Identifiers: Orphanet 68380, MedGen C0751651, MeSH D028361, MONDO:0044970.

Submissions (2):

ClinGen Mitochondrial Disease Nuclear and Mitochondrial  Variant Curation Expert Panel, ClinGen
Classification: Benign for Mitochondrial disease. Last evaluated: 2022-03-24. Review status: reviewed by expert panel. Criteria: clingen mito disease acmg specifications v1-1. Collection method: curation. Allele origin: germline. Inheritance: Mitochondrial inheritance.
Comment: The m.4769A>G (p.M100M) variant in MT-ND2 was reviewed by the Mitochondrial Disease Nuclear and Mitochondrial Variant Curation Expert Panel as part of the variant pilot for mitochondrial DNA variant specifications (McCormick et al., 2020; PMID: 32906214). This variant is seen at high frequencies in numerous haplogroups and the overall allele frequency in GenBank database (per Mitomap; queried 6/29/2020) is 97.6% (BA1). This is a synonymous variant (BP7). In summary, this variant meets criteria to be classified as benign given its synonymous nature and high frequency in the general population. This classification was approved by the NICHD U24 Mitochondrial Disease Variant Curation Expert Panel as of August 20, 2020. Mitochondrial DNA-specific ACMG/AMP criteria applied: BA1, BP7.

Laboratory of Genetics, Children's Clinical University Hospital Latvia
Classification: Benign. Last evaluated: 2025-02-16. Review status: criteria provided, single submitter. Criteria: ACMG Guidelines, 2015. Collection method: clinical testing. Allele origin: germline. Affected: yes. Not counted in ClinVar's aggregate classification.